The following is an entry in ClinVar:

NM_001042492.3(NF1):c.185T>C (p.Leu62Ser)

Gene: NF1 (neurofibromin 1; plus strand). Cytogenetic location: 17q11.2.
Variant type: single nucleotide variant.
Coding change: c.185T>C on transcript NM_001042492.3 (MANE Select); coding-DNA position 185, T replaced by C.
Protein change: p.Leu62Ser; replaces leucine 62 with serine.
Molecular consequence: missense variant.
Genome position (GRCh38, 1-based): chr17:31,156,107, T>C. VCF-style: chr17-31156107-T-C. GRCh37 (hg19) VCF-style: chr17-29483125-T-C.
Other names: c.185T>C, p.Leu62Ser (NM_000267.4, NM_001128147.3); short protein forms L62S.
Identifiers: ClinVar variation 4800696 (VCV004800696.1).

ClinVar aggregate classification (germline): Uncertain significance (1 of 4 stars; one submission).

Conditions:
Neurofibromatosis, type 1 (NF1). Also called: VON RECKLINGHAUSEN DISEASE; Neurofibromatosis, type I; NEUROFIBROMATOSIS, TYPE I, SOMATIC; Peripheral type neurofibromatosis. Identifiers: Orphanet 636, MedGen C0027831, MONDO:0018975, OMIM 162200. Disease mechanism: loss of function.

Submission:

Labcorp Genetics (formerly Invitae), Labcorp
Classification: Uncertain significance for Neurofibromatosis, type 1. Last evaluated: 2025-10-29. Review status: criteria provided, single submitter. Criteria: Invitae Variant Classification Sherloc (09022015). Collection method: clinical testing. Allele origin: germline.
Comment: This sequence change replaces leucine, which is neutral and non-polar, with serine, which is neutral and polar, at codon 62 of the NF1 protein (p.Leu62Ser). This variant is not present in population databases (gnomAD no frequency). This variant has not been reported in the literature in individuals affected with NF1-related conditions. Invitae Evidence Modeling of protein sequence and biophysical properties (such as structural, functional, and spatial information, amino acid conservation, physicochemical variation, residue mobility, and thermodynamic stability) indicates that this missense variant is expected to disrupt NF1 protein function with a positive predictive value of 95%. In summary, the available evidence is currently insufficient to determine the role of this variant in disease. Therefore, it has been classified as a Variant of Uncertain Significance.